The following is an entry in ClinVar:

ClinVar aggregate classification (germline): Uncertain significance (1 of 4 stars; one submission).

Conditions:
Familial thoracic aortic aneurysm and aortic dissection (TAAD). Also called: Thoracic aortic aneurysms and dissections. Identifiers: Orphanet 91387, MedGen C4707243, MONDO:0019625.

Submission:

Color Diagnostics, LLC DBA Color Health
Classification: Uncertain significance for Familial thoracic aortic aneurysm and aortic dissection. Last evaluated: 2025-07-07. Review status: criteria provided, single submitter. Criteria: ACMG Guidelines, 2015. Collection method: clinical testing. Allele origin: germline.
Comment: This missense variant replaces threonine with proline at codon 468 of the FBN1 protein. Computational prediction is inconclusive regarding the impact of this variant on protein structure and function. To our knowledge, functional studies have not been reported for this variant. This variant has not been reported in individuals affected with FBN1-related disorders in the literature. This variant has not been identified in the general population by the Genome Aggregation Database (gnomAD). The available evidence is insufficient to determine the role of this variant in disease conclusively. Therefore, this variant is classified as a Variant of Uncertain Significance.

NM_000138.5(FBN1):c.1402A>C (p.Thr468Pro)

Gene: FBN1 (fibrillin 1; minus strand). Cytogenetic location: 15q21.1.
Variant type: single nucleotide variant.
Coding change: c.1402A>C on transcript NM_000138.5 (MANE Select); coding-DNA position 1402, A replaced by C.
Protein change: p.Thr468Pro; replaces threonine 468 with proline.
Molecular consequence: missense variant.
Genome position (GRCh38, 1-based): chr15:48,515,453, T>G on the plus strand (A>C on the coding strand, the complement: FBN1 is on the minus strand). VCF-style: chr15-48515453-T-G. GRCh37 (hg19) VCF-style: chr15-48807650-T-G.
Other names: c.1402A>C, p.Thr468Pro (NM_001406716.1); short protein forms T468P.
Identifiers: ClinVar variation 4756645 (VCV004756645.1).